The following is an entry in ClinVar:

NM_013275.6(ANKRD11):c.2409_2412del (p.Glu805fs)

Gene: ANKRD11 (ankyrin repeat domain 11; minus strand). Cytogenetic location: 16q24.3.
Variant type: Deletion.
Coding change: c.2409_2412del on transcript NM_013275.6 (MANE Select); coding-DNA positions 2409 to 2412, 4 bases deleted (AAAA; older notation c.2409_2412delAAAA).
Protein change: p.Glu805fs; shifts the reading frame from glutamic acid 805.
Molecular consequence: frameshift variant.
Genome position (GRCh38, 1-based): chr16:89,284,130-89,284,133, TTTT deleted on the plus strand (AAAA on the coding strand, the reverse complement: ANKRD11 is on the minus strand); deleting any 4 consecutive bases within chr16:89,284,130-89,284,135 gives the same sequence; the c. name uses the placement nearest the transcript's 3' end. VCF-style (leftmost placement, unchanged base first): chr16-89284129-CTTTT-C. GRCh37 (hg19) VCF-style: chr16-89350537-CTTTT-C.
Other names: c.2409_2412del, p.Glu805fs (NM_001256182.2, NM_001256183.2); c.2409_2412delAAAA (NM_013275.5); c.2409_2412del (NM_013275.5); short protein forms E805fs.
Identifiers: ClinVar variation 426843 (VCV000426843.10), dbSNP rs886039902, ClinGen allele CA645294092.

ClinVar aggregate classification (germline): Pathogenic/Likely pathogenic. Review status: criteria provided, multiple submitters, no conflicts (2 of 4 stars). 3 submissions from 3 submitters: Pathogenic (2); Likely pathogenic (1). Last evaluated 2026-09-22.

Conditions:
KBG syndrome (KBGS). Also called: ANKRD11-Related KBG Syndrome. Identifiers: Orphanet 2332, MedGen C0220687, MONDO:0007846, OMIM 148050.

Submissions (3):

GeneDx
Classification: Pathogenic. Last evaluated: 2026-09-22. Review status: criteria provided, single submitter. Criteria: GeneDx Variant Classification Process June 2021. Collection method: clinical testing. Allele origin: germline.
Comment: Frameshift variant predicted to result in protein truncation or nonsense mediated decay in a gene for which loss-of-function is a known mechanism of disease; Not observed at significant frequency in large population cohorts (gnomAD); This variant is associated with the following publications: (PMID: 33057194, 37226940, 35982159, 30609409, 35970914, 37964495, 39364636, 40459271)

Laboratory for Molecular Medicine, Mass General Brigham Personalized Medicine
Classification: Likely pathogenic for KBG syndrome. Last evaluated: 2016-09-02. Review status: criteria provided, single submitter. Criteria: LMM Criteria. Collection method: clinical testing. Allele origin: germline. Inheritance: Autosomal dominant inheritance. Observed: 1 variant allele.
Comment: The p.Glu805Argfs*57 variant in ANKRD11 has not been reported in patients and is absent from large population studies, though the ability of these studies to ac curately detect indels may be limited. This variant is predicted to cause a fram eshift, which alters the protein?s amino acid sequence beginning at position 805 and leads to a premature termination codon 57 amino acids downstream. This alte ration is then predicted to lead to a truncated or absent protein. Heterozygous loss of function of function of the ANKRD11 gene is an established disease mecha nism in KBG syndrome. In summary, the p.Glu805Argfs*57 variant in ANKRD11 meets criteria to be classified as likely pathogenic for KBG syndrome in an autosomal dominant manner based on predicted impact to the protein.

Genome Medicine, Institute for Basic Research in Developmental Disabilities
Classification: Pathogenic for KBG syndrome. Review status: criteria provided, single submitter. Criteria: ACMG Guidelines, 2015. Collection method: clinical testing. Allele origin: de novo. Affected: yes. Observed: 1 variant allele.

Literature cited by the submitters: PubMed 35970914 (cited by Genome Medicine, Institute for Basic Research in Developmental Disabilities).